The following is an entry in ClinVar:

ClinVar aggregate classification (germline): Uncertain significance (1 of 4 stars; one submission).

Conditions:
Aortic valve disease 2 (AOVD2). Identifiers: MedGen C3542024, MONDO:0013902, OMIM 614823.

Submission:

Labcorp Genetics (formerly Invitae), Labcorp
Classification: Uncertain significance for Aortic valve disease 2. Last evaluated: 2022-08-10. Review status: criteria provided, single submitter. Criteria: Invitae Variant Classification Sherloc (09022015). Collection method: clinical testing. Allele origin: germline.
Comment: Algorithms developed to predict the effect of missense changes on protein structure and function are either unavailable or do not agree on the potential impact of this missense change (SIFT: "Deleterious"; PolyPhen-2: "Probably Damaging"; Align-GVGD: "Class C0"). In summary, the available evidence is currently insufficient to determine the role of this variant in disease. Therefore, it has been classified as a Variant of Uncertain Significance. This variant has not been reported in the literature in individuals affected with TBX5-related conditions. This variant is not present in population databases (gnomAD no frequency). This sequence change replaces arginine, which is basic and polar, with proline, which is neutral and non-polar, at codon 134 of the TBX5 protein (p.Arg134Pro).

NM_181486.4(TBX5):c.401G>C (p.Arg134Pro)

Gene: TBX5 (T-box transcription factor 5; minus strand). Cytogenetic location: 12q24.21.
Variant type: single nucleotide variant.
Coding change: c.401G>C on transcript NM_181486.4 (MANE Select); coding-DNA position 401, G replaced by C.
Protein change: p.Arg134Pro; replaces arginine 134 with proline.
Molecular consequence: missense variant.
Genome position (GRCh38, 1-based): chr12:114,398,682, C>G on the plus strand (G>C on the coding strand, the complement: TBX5 is on the minus strand). VCF-style: chr12-114398682-C-G. GRCh37 (hg19) VCF-style: chr12-114836487-C-G.
Other names: c.401G>C, p.Arg134Pro (NM_000192.3); c.251G>C, p.Arg84Pro (NM_080717.4); short protein forms R134P, R84P.
Identifiers: ClinVar variation 1716014 (VCV001716014.5), dbSNP rs2540471613, ClinGen allele CA386862172.